The following is an entry in ClinVar:

ClinVar aggregate classification (germline): Uncertain significance (1 of 4 stars; one submission).

Conditions:
CHD8-related disorder. Also called: CHD8-related condition; CHD8-related disorders.

Allele frequency attached by ClinVar (database versions not stated): gnomAD exomes below 0.00001.
gnomAD v4.1: 1 of 1,613,910 alleles (0.000062%); highest among the groups gnomAD compares: Non-Finnish European, 0.000085%; no homozygotes.

Submission:

PreventionGenetics, part of Exact Sciences
Classification: Uncertain significance for CHD8-related condition. Last evaluated: 2023-09-03. Review status: criteria provided, single submitter. Criteria: ACMG Guidelines, 2015. Collection method: clinical testing. Allele origin: germline.
Comment: The CHD8 c.1889A>G variant is predicted to result in the amino acid substitution p.Gln630Arg. To our knowledge, this variant has not been reported in the literature or in a large population database, indicating this variant is rare. At this time, the clinical significance of this variant is uncertain due to the absence of conclusive functional and genetic evidence.

NM_001170629.2(CHD8):c.1889A>G (p.Gln630Arg)

Gene: CHD8 (chromodomain helicase DNA binding protein 8; minus strand). Cytogenetic location: 14q11.2.
Variant type: single nucleotide variant.
Coding change: c.1889A>G on transcript NM_001170629.2 (MANE Select); coding-DNA position 1889, A replaced by G.
Protein change: p.Gln630Arg; replaces glutamine 630 with arginine.
Molecular consequence: missense variant.
Genome position (GRCh38, 1-based): chr14:21,415,735, T>C on the plus strand (A>G on the coding strand, the complement: CHD8 is on the minus strand). VCF-style: chr14-21415735-T-C. GRCh37 (hg19) VCF-style: chr14-21883894-T-C.
Other names: c.1052A>G, p.Gln351Arg (NM_020920.4); short protein forms Q351R, Q630R.
Identifiers: ClinVar variation 2631600 (VCV002631600.1), dbSNP rs2501953939, ClinGen allele CA388879431.